The following is an entry in ClinVar:

ClinVar aggregate classification (germline): Uncertain significance (1 of 4 stars; one submission).

Conditions:
Inborn genetic diseases. Identifiers: MedGen C0950123, MeSH D030342.

Submission:

Ambry Genetics
Classification: Uncertain significance for Inborn genetic diseases. Last evaluated: 2026-06-10. Review status: criteria provided, single submitter. Criteria: Ambry Variant Classification Scheme 2023. Collection method: clinical testing. Allele origin: germline.
Comment: The p.P802Q variant (also known as c.2405C>A), located in coding exon 19 of the BUB1B gene, results from a C to A substitution at nucleotide position 2405. The proline at codon 802 is replaced by glutamine, an amino acid with similar properties. This amino acid position is conserved. In addition, this alteration is predicted to be tolerated by in silico analysis. Based on the available evidence, the clinical significance of this variant remains unclear.

NM_001211.6(BUB1B):c.2405C>A (p.Pro802Gln)

Gene: BUB1B (BUB1 mitotic checkpoint serine/threonine kinase B; plus strand). Cytogenetic location: 15q15.1.
Variant type: single nucleotide variant.
Coding change: c.2405C>A on transcript NM_001211.6 (MANE Select); coding-DNA position 2405, C replaced by A.
Protein change: p.Pro802Gln; replaces proline 802 with glutamine.
Molecular consequence: missense variant.
Genome position (GRCh38, 1-based): chr15:40,212,518, C>A. VCF-style: chr15-40212518-C-A. GRCh37 (hg19) VCF-style: chr15-40504719-C-A.
Other names: short protein forms P802Q.
Identifiers: ClinVar variation 4868023 (VCV004868023.1).